The following is an entry in ClinVar:

NM_001005361.3(DNM2):c.1252G>A (p.Val418Ile)

Gene: DNM2 (dynamin 2; plus strand). Cytogenetic location: 19p13.2.
Variant type: single nucleotide variant.
Coding change: c.1252G>A on transcript NM_001005361.3 (MANE Select); coding-DNA position 1252, G replaced by A.
Protein change: p.Val418Ile; replaces valine 418 with isoleucine.
Molecular consequence: missense variant. On other transcripts: intron variant (3).
Genome position (GRCh38, 1-based): chr19:10,797,435, G>A. VCF-style: chr19-10797435-G-A. GRCh37 (hg19) VCF-style: chr19-10908111-G-A.
Other names: c.1252G>A, p.Val418Ile (NM_001005362.3); c.1336-1051G>A (NM_001005360.3, NM_001190716.2, NM_004945.4); short protein forms V418I.
Identifiers: ClinVar variation 2649304 (VCV002649304.24), dbSNP rs2513242404, ClinGen allele CA404049312.

ClinVar aggregate classification (germline): Uncertain significance (1 of 4 stars; one submission).

Allele frequency attached by ClinVar (database versions not stated): gnomAD exomes below 0.00001.
gnomAD v4.1: 6 of 1,613,986 alleles (0.00037%); highest among the groups gnomAD compares: Admixed American, 0.0017%; no homozygotes.

Submission:

CeGaT Center for Human Genetics Tuebingen
Classification: Uncertain significance. Last evaluated: 2022-06-01. Review status: criteria provided, single submitter. Criteria: CeGaT Center For Human Genetics Tuebingen Variant Classification Criteria Version 2. Collection method: clinical testing. Allele origin: germline. Affected: yes. Observed: 1 variant allele.
Comment: DNM2: PM2, PP2, BP4